The following is an entry in ClinVar:

NM_001008216.2(GALE):c.820G>C (p.Gly274Arg)

Gene: GALE (UDP-galactose-4-epimerase; minus strand). Cytogenetic location: 1p36.11.
Variant type: single nucleotide variant.
Coding change: c.820G>C on transcript NM_001008216.2 (MANE Select); coding-DNA position 820, G replaced by C.
Protein change: p.Gly274Arg; replaces glycine 274 with arginine.
Molecular consequence: missense variant.
Genome position (GRCh38, 1-based): chr1:23,796,562, C>G on the plus strand (G>C on the coding strand, the complement: GALE is on the minus strand). VCF-style: chr1-23796562-C-G. GRCh37 (hg19) VCF-style: chr1-24123052-C-G.
Other names: c.820G>C, p.Gly274Arg (NM_000403.4, NM_001127621.2); short protein forms G274R.
Identifiers: ClinVar variation 2577283 (VCV002577283.1), dbSNP rs370835402, ClinGen allele CA685518.

ClinVar aggregate classification (germline): Uncertain significance (1 of 4 stars; one submission).

Allele frequency attached by ClinVar (database versions not stated): gnomAD exomes below 0.00001; TOPMed below 0.00001; ExAC 0.00001; ESP Exome Variant Server 0.00008.
gnomAD v4.1: 2 of 1,614,116 alleles (0.00012%); highest among the groups gnomAD compares: Non-Finnish European, 0.000085%; no homozygotes.

Submission:

Women's Health and Genetics/Laboratory Corporation of America, LabCorp
Classification: Uncertain significance. Last evaluated: 2023-07-25. Review status: criteria provided, single submitter. Criteria: LabCorp Variant Classification Summary - May 2015. Collection method: clinical testing. Allele origin: germline.
Comment: Variant summary: GALE c.820G>C (p.Gly274Arg) results in a non-conservative amino acid change located in the NAD(P)-binding domain (IPR016040) of the encoded protein sequence. Five of five in-silico tools predict a damaging effect of the variant on protein function. The variant allele was found at a frequency of 4e-06 in 251432 control chromosomes (gnomAD). The available data on variant occurrences in the general population are insufficient to allow any conclusion about variant significance. c.820G>C has been reported in the literature as a compound heterozygous genotype in two individuals affected with UDPglucose-4-Epimerase Deficiency (Derks_2022). These data do not allow any conclusion about variant significance. To our knowledge, no experimental evidence demonstrating an impact on protein function has been reported. The following publication has been ascertained in the context of this evaluation (PMID: 36056436). No submitters have cited clinical-significance assessments for this variant to ClinVar after 2014. Based on the evidence outlined above, the variant was classified as uncertain significance.

Literature cited by the submitters: PubMed 36056436.